The following is an entry in ClinVar:

NM_000089.4(COL1A2):c.1154G>A (p.Gly385Glu)

Gene: COL1A2 (collagen type I alpha 2 chain; plus strand). Cytogenetic location: 7q21.3.
Variant type: single nucleotide variant.
Coding change: c.1154G>A on transcript NM_000089.4 (MANE Select); coding-DNA position 1154, G replaced by A.
Protein change: p.Gly385Glu; replaces glycine 385 with glutamic acid.
Molecular consequence: missense variant.
Genome position (GRCh38, 1-based): chr7:94,410,484, G>A. VCF-style: chr7-94410484-G-A. GRCh37 (hg19) VCF-style: chr7-94039796-G-A.
Other names: short protein forms G385E.
Identifiers: ClinVar variation 2925407 (VCV002925407.3), dbSNP rs72658105, ClinGen allele CA162921134.
Genomic context (GRCh38, chr7:94,410,484, plus strand): 5'-CTGCTGGGCCCCAAGGTCCTCCTGGTCCCAGTGGTGAAGAAGGAAAGAGAGGCCCTAATG[G>A]GGAAGCTGGATCTGCCGGCCCTCCAGGACCTCCTGGGCTGAGAGTAGGTTTCAAATGCTC-3'
Protein context (NP_000080.2, residues 375-395): SGEEGKRGPN[Gly385Glu]EAGSAGPPGP

ClinVar aggregate classification (germline): Pathogenic (1 of 4 stars; one submission).

Conditions:
Osteogenesis imperfecta type I (OI1). Also called: Lobstein disease; OI, TYPE I; OSTEOGENESIS IMPERFECTA TARDA; OSTEOGENESIS IMPERFECTA WITH BLUE SCLERAE; Osteogenesis imperfecta type 1; Lobstein's Disease. Identifiers: Orphanet 216796, Orphanet 666, MedGen C0023931, MONDO:0008146, OMIM 166200. Disease mechanism: loss of function.
Ehlers-Danlos syndrome, classic type, 1 (EDSCL1). Also called: EDS I; EHLERS-DANLOS SYNDROME, GRAVIS TYPE; EHLERS-DANLOS SYNDROME, SEVERE CLASSIC TYPE; Ehlers-Danlos syndrome, type 1; Ehlers-Danlos Syndrome, Classic Type, COL5A1-Related. Identifiers: MedGen C0268335, MONDO:0019567, OMIM 130000.

Submission:

Labcorp Genetics (formerly Invitae), Labcorp
Classification: Pathogenic for Osteogenesis imperfecta type I; Ehlers-Danlos syndrome, classic type, 1. Last evaluated: 2025-07-14. Review status: criteria provided, single submitter. Criteria: Invitae Variant Classification Sherloc (09022015). Collection method: clinical testing. Allele origin: germline.
Comment: This sequence change replaces glycine, which is neutral and non-polar, with glutamic acid, which is acidic and polar, at codon 385 of the COL1A2 protein (p.Gly385Glu). This variant is not present in population databases (gnomAD no frequency). This missense change has been observed in individual(s) with osteogenesis imperfecta (PMID: 17078022). ClinVar contains an entry for this variant (Variation ID: 2925407). Invitae Evidence Modeling of protein sequence and biophysical properties (such as structural, functional, and spatial information, amino acid conservation, physicochemical variation, residue mobility, and thermodynamic stability) indicates that this missense variant is expected to disrupt COL1A2 protein function with a positive predictive value of 95%. This variant disrupts the triple helix domain of COL1A2. Glycine residues within the Gly-Xaa-Yaa repeats of the triple helix domain are required for the structure and stability of fibrillar collagens (PMID: 7695699, 8218237, 19344236). In COL1A2, variants affecting these glycine residues are significantly enriched in individuals with disease (PMID: 9016532, 17078022) compared to the general population (ExAC). For these reasons, this variant has been classified as Pathogenic.

Literature cited by the submitters: PubMed 17078022; PubMed 7695699; PubMed 8218237; PubMed 19344236; PubMed 9016532.